The following is an entry in ClinVar:

NM_001081.4(CUBN):c.618C>T (p.Tyr206=)

Genes: CUBN (cubilin; minus strand), LOC126860871 (MED14-independent group 3 enhancer GRCh37_chr10:17157167-17158366; plus strand). Cytogenetic location: 10p13.
Variant type: single nucleotide variant.
Coding change: c.618C>T on transcript NM_001081.4 (MANE Select); coding-DNA position 618, C replaced by T.
Protein change: p.Tyr206=; no amino-acid change (tyrosine 206 retained).
Molecular consequence: synonymous variant.
Genome position (GRCh38, 1-based): chr10:17,115,573, G>A on the plus strand (C>T on the coding strand, the complement: CUBN is on the minus strand). VCF-style: chr10-17115573-G-A. GRCh37 (hg19) VCF-style: chr10-17157572-G-A.
Other names: p.Tyr206=.
Identifiers: ClinVar variation 299542 (VCV000299542.20), dbSNP rs41289313, ClinGen allele CA5425552.

ClinVar aggregate classification (germline): Benign. Review status: criteria provided, multiple submitters, no conflicts (2 of 4 stars). 7 submissions from 7 submitters: Benign (7). Last evaluated 2026-02-04.

Conditions:
Imerslund-Grasbeck syndrome. Also called: ENTEROCYTE COBALAMIN MALABSORPTION; ENTEROCYTE INTRINSIC FACTOR RECEPTOR, DEFECT OF; Imerslund-Gräsbeck syndrome; PERNICIOUS ANEMIA, JUVENILE, DUE TO SELECTIVE INTESTINAL MALABSORPTION OF VITAMIN B12, WITH PROTEINURIA; Megaloblastic anemia due to inborn errors of metabolism. Identifiers: Orphanet 35858, MedGen C4551825, MONDO:0009853.
Imerslund-Grasbeck syndrome type 1 (IGS1). Also called: Megaloblastic anemia 1, Finnish type; MEGALOBLASTIC ANEMIA, 1; Imerslund-Gräsbeck syndrome 1. Identifiers: MedGen C4016819, MONDO:0100156, OMIM 261100.

Allele frequency attached by ClinVar (database versions not stated): TOPMed 0.05786; gnomAD 0.06126 and 0.06685; ESP Exome Variant Server 0.06266; 1000 Genomes Project 30x 0.08182; 1000 Genomes Project 0.08466; gnomAD exomes 0.08587 and 0.08692; ExAC 0.08984.

Submissions (7):

Labcorp Genetics (formerly Invitae), Labcorp
Classification: Benign for Imerslund-Grasbeck syndrome. Last evaluated: 2026-02-04. Review status: criteria provided, single submitter. Criteria: Invitae Variant Classification Sherloc (09022015). Collection method: clinical testing. Allele origin: germline.

Blueprint Genetics
Classification: Benign. Last evaluated: 2024-11-27. Review status: criteria provided, single submitter. Criteria: ACMG Guidelines, 2015. Collection method: clinical testing. Allele origin: germline.

Mayo Clinic Laboratories, Mayo Clinic
Classification: Benign. Last evaluated: 2022-03-09. Review status: criteria provided, single submitter. Criteria: ACMG Guidelines, 2015. Collection method: clinical testing. Allele origin: germline. Observed: 36 variant alleles.

Genome-Nilou Lab
Classification: Benign for Imerslund-Grasbeck syndrome type 1. Last evaluated: 2021-07-30. Review status: criteria provided, single submitter. Criteria: ACMG Guidelines, 2015. Collection method: clinical testing. Allele origin: germline. Affected: no.

GeneDx
Classification: Benign. Last evaluated: 2018-10-31. Review status: criteria provided, single submitter. Criteria: GeneDx Variant Classification Process June 2021. Collection method: clinical testing. Allele origin: germline. Affected: yes.

Illumina Laboratory Services, Illumina
Classification: Benign for Imerslund-Grasbeck syndrome type 1. Last evaluated: 2018-01-13. Review status: criteria provided, single submitter. Criteria: ICSL Variant Classification Criteria 13 December 2019. Collection method: clinical testing. Allele origin: germline.
Comment: This variant was observed in the ICSL laboratory as part of a predisposition screen in an ostensibly healthy population. It had not been previously curated by ICSL or reported in the Human Gene Mutation Database (HGMD: prior to June 1st, 2018), and was therefore a candidate for classification through an automated scoring system. Utilizing variant allele frequency, disease prevalence and penetrance estimates, and inheritance mode, an automated score was calculated to assess if this variant is too frequent to cause the disease. Based on the score and internal cut-off values, a variant classified as benign is not then subjected to further curation. The score for this variant resulted in a classification of benign for this disease.

Breakthrough Genomics
Classification: Benign. Review status: criteria provided, single submitter. Criteria: ACMG Guidelines, 2015. Collection method: not provided. Allele origin: germline. Inheritance: Autosomal recessive inheritance. Affected: yes.